The following is an entry in ClinVar:

NM_000535.7(PMS2):c.455C>G (p.Pro152Arg)

Gene: PMS2 (PMS1 homolog 2, mismatch repair system component; minus strand). Cytogenetic location: 7p22.1.
Variant type: single nucleotide variant.
Coding change: c.455C>G on transcript NM_000535.7 (MANE Select); coding-DNA position 455, C replaced by G.
Protein change: p.Pro152Arg; replaces proline 152 with arginine.
Molecular consequence: missense variant. On other transcripts: 5 prime UTR variant (2), non-coding transcript variant (1).
Genome position (GRCh38, 1-based): chr7:6,002,535, G>C on the plus strand (C>G on the coding strand, the complement: PMS2 is on the minus strand). VCF-style: chr7-6002535-G-C. GRCh37 (hg19) VCF-style: chr7-6042166-G-C.
Other names: c.50C>G, p.Pro17Arg (NM_001322003.2, NM_001322004.2, NM_001322005.2 and 3 more transcripts); c.455C>G, p.Pro152Arg (NM_001322006.2, NM_001322014.2); c.137C>G, p.Pro46Arg (NM_001322007.2, NM_001322008.2); c.-430C>G (NM_001322011.2, NM_001322012.2); c.146C>G, p.Pro49Arg (NM_001322015.2); short protein forms P152R, P46R, P17R, P49R.
Identifiers: ClinVar variation 233056 (VCV000233056.20), dbSNP rs876660161, ClinGen allele CA10578711.

ClinVar aggregate classification (germline): Uncertain significance. Review status: criteria provided, multiple submitters, no conflicts (2 of 4 stars). 7 submissions from 7 submitters: Uncertain significance (7). Last evaluated 2026-01-26.

Conditions:
Hereditary cancer-predisposing syndrome. Also called: Neoplastic Syndromes, Hereditary; Tumor predisposition; Hereditary Cancer Syndrome; Hereditary neoplastic syndrome. Identifiers: Orphanet 140162, MedGen C0027672, MeSH D009386, MONDO:0015356.
Mismatch repair cancer syndrome 4. Identifiers: MedGen C5436817, MONDO:0030843, OMIM 619101.
Lynch syndrome 4 (LYNCH4). Also called: Colorectal cancer, hereditary nonpolyposis, type 4; Hereditary non-polyposis colorectal cancer, type 4. Identifiers: Orphanet 144, MedGen C1838333, MONDO:0013699, OMIM 614337. Disease mechanism: loss of function.
Hereditary nonpolyposis colorectal neoplasms. Identifiers: MedGen C0009405, MeSH D003123.

Allele frequency attached by ClinVar (database versions not stated): gnomAD exomes below 0.00001 and 0.00002; TOPMed 0.00002; gnomAD 0.00004.
gnomAD v4.1: 12 of 1,611,650 alleles (0.00074%); highest among the groups gnomAD compares: Admixed American, 0.017%; no homozygotes.

Submissions (7):

Labcorp Genetics (formerly Invitae), Labcorp
Classification: Uncertain significance for Hereditary nonpolyposis colorectal neoplasms. Last evaluated: 2026-01-26. Review status: criteria provided, single submitter. Criteria: Invitae Variant Classification Sherloc (09022015). Collection method: clinical testing. Allele origin: germline.
Comment: This sequence change replaces proline, which is neutral and non-polar, with arginine, which is basic and polar, at codon 152 of the PMS2 protein (p.Pro152Arg). This variant is present in population databases (no rsID available, gnomAD 0.01%). This variant has not been reported in the literature in individuals affected with PMS2-related conditions. ClinVar contains an entry for this variant (Variation ID: 233056). Invitae Evidence Modeling incorporating data from in vitro experimental studies (internal data) indicates that this missense variant is not expected to disrupt PMS2 function with a negative predictive value of 95%. In summary, the available evidence is currently insufficient to determine the role of this variant in disease. Therefore, it has been classified as a Variant of Uncertain Significance.

Quest Diagnostics Nichols Institute San Juan Capistrano
Classification: Uncertain significance. Last evaluated: 2025-10-08. Review status: criteria provided, single submitter. Criteria: Quest Diagnostics criteria. Collection method: clinical testing. Allele origin: unknown.
Comment: The PMS2 c.455C>G (p.Pro152Arg) variant has not been reported in individuals with PMS2-related conditions in the published literature. The frequency of this variant in the general population (Genome Aggregation Database) is uninformative in the assessment of its pathogenicity. Analysis of this variant using bioinformatics tools for the prediction of the effect of amino acid changes on protein structure and function yielded conflicting predictions that this variant is benign or damaging. Based on the available information, we are unable to determine the clinical significance of this variant.

Color Diagnostics, LLC DBA Color Health
Classification: Uncertain significance for Hereditary cancer-predisposing syndrome. Last evaluated: 2024-03-06. Review status: criteria provided, single submitter. Criteria: ACMG Guidelines, 2015. Collection method: clinical testing. Allele origin: germline.
Comment: This missense variant replaces proline with arginine at codon 152 of the PMS2 protein. Computational prediction suggests that this variant may not impact protein structure and function (internally defined REVEL score threshold <= 0.5, PMID: 27666373). Splice site prediction tools suggest that this variant may not impact RNA splicing. To our knowledge, functional studies have not been performed for this variant. This variant has not been reported in individuals affected with hereditary cancer in the literature. This variant has been identified in 5/250806 chromosomes in the general population by the Genome Aggregation Database (gnomAD). The available evidence is insufficient to determine the role of this variant in disease conclusively. Therefore, this variant is classified as a Variant of Uncertain Significance.

Ambry Genetics
Classification: Uncertain significance for Hereditary cancer-predisposing syndrome. Last evaluated: 2024-02-19. Review status: criteria provided, single submitter. Criteria: Ambry Variant Classification Scheme 2023. Collection method: clinical testing. Allele origin: germline.
Comment: The p.P152R variant (also known as c.455C>G), located in coding exon 5 of the PMS2 gene, results from a C to G substitution at nucleotide position 455. The proline at codon 152 is replaced by arginine, an amino acid with dissimilar properties. This amino acid position is not well conserved in available vertebrate species. In addition, this alteration is predicted to be tolerated by in silico analysis. Based on the available evidence, the clinical significance of this alteration remains unclear.

Fulgent Genetics
Classification: Uncertain significance for Lynch syndrome 4; Mismatch repair cancer syndrome 4. Last evaluated: 2023-12-29. Review status: criteria provided, single submitter. Criteria: ACMG Guidelines, 2015. Collection method: clinical testing. Allele origin: germline.

Baylor Genetics
Classification: Uncertain significance for Lynch syndrome 4. Last evaluated: 2023-07-12. Review status: criteria provided, single submitter. Criteria: ACMG Guidelines, 2015. Collection method: clinical testing. Allele origin: unknown.

GeneDx
Classification: Uncertain significance. Last evaluated: 2023-05-18. Review status: criteria provided, single submitter. Criteria: GeneDx Variant Classification Process June 2021. Collection method: clinical testing. Allele origin: germline. Affected: yes.
Comment: In silico analysis supports that this missense variant does not alter protein structure/function; Has not been previously published as pathogenic or benign to our knowledge; This variant is associated with the following publications: (PMID: 11574484)